The following is an entry in ClinVar:

NM_181872.6(DMRT2):c.566G>T (p.Arg189Leu)

Gene: DMRT2 (doublesex and mab-3 related transcription factor 2; plus strand). Cytogenetic location: 9p24.3.
Variant type: single nucleotide variant.
Coding change: c.566G>T on transcript NM_181872.6 (MANE Select); coding-DNA position 566, G replaced by T.
Protein change: p.Arg189Leu; replaces arginine 189 with leucine.
Molecular consequence: missense variant. On other transcripts: 5 prime UTR variant (1), non-coding transcript variant (1).
Genome position (GRCh38, 1-based): chr9:1,053,762, G>T. VCF-style: chr9-1053762-G-T. GRCh37 (hg19) VCF-style: chr9-1053762-G-T.
Other names: c.566G>T, p.Arg189Leu (NM_001130865.3, NM_001370531.1, NM_001370533.1 and 4 more transcripts); c.44G>T, p.Arg15Leu (NM_001370532.1); c.-134G>T (NM_001387560.1); short protein forms R15L, R189L.
Identifiers: ClinVar variation 4775811 (VCV004775811.1).

ClinVar aggregate classification (germline): Uncertain significance (1 of 4 stars; one submission).

gnomAD v4.1: 11 of 1,613,970 alleles (0.00068%); highest among the groups gnomAD compares: East Asian, 0.011%; no homozygotes.

Submission:

Labcorp Genetics (formerly Invitae), Labcorp
Classification: Uncertain significance. Last evaluated: 2025-09-15. Review status: criteria provided, single submitter. Criteria: Invitae Variant Classification Sherloc (09022015). Collection method: clinical testing. Allele origin: germline.
Comment: This sequence change replaces arginine, which is basic and polar, with leucine, which is neutral and non-polar, at codon 189 of the DMRT2 protein (p.Arg189Leu). This variant is present in population databases (rs200011939, gnomAD 0.02%). This variant has not been reported in the literature in individuals affected with DMRT2-related conditions. An algorithm developed to predict the effect of missense changes on protein structure and function (PolyPhen-2) suggests that this variant is likely to be disruptive. In summary, the available evidence is currently insufficient to determine the role of this variant in disease. Therefore, it has been classified as a Variant of Uncertain Significance.